The following is an entry in ClinVar:

NM_002860.4(ALDH18A1):c.220G>A (p.Val74Met)

Gene: ALDH18A1 (aldehyde dehydrogenase 18 family member A1; minus strand). Cytogenetic location: 10q24.1.
Variant type: single nucleotide variant.
Coding change: c.220G>A on transcript NM_002860.4 (MANE Select); coding-DNA position 220, G replaced by A.
Protein change: p.Val74Met; replaces valine 74 with methionine.
Molecular consequence: missense variant. On other transcripts: intron variant (4).
Genome position (GRCh38, 1-based): chr10:95,643,075, C>T on the plus strand (G>A on the coding strand, the complement: ALDH18A1 is on the minus strand). VCF-style: chr10-95643075-C-T. GRCh37 (hg19) VCF-style: chr10-97402832-C-T.
Other names: c.220G>A, p.Val74Met (NM_001017423.2, NM_001323413.2, NM_001323414.2 and 2 more transcripts); c.-78-9426G>A (NM_001323419.2); c.-30-5639G>A (NM_001323412.2, NM_001323418.2, NM_001323416.2); short protein forms V74M.
Identifiers: ClinVar variation 2672410 (VCV002672410.26), dbSNP rs143330350, ClinGen allele CA5620660.

ClinVar aggregate classification (germline): Uncertain significance. Review status: criteria provided, multiple submitters, no conflicts (2 of 4 stars). 2 submissions from 2 submitters: Uncertain significance (2). Last evaluated 2023-10-01.

Conditions:
de Barsy syndrome. Also called: Cutis laxa-corneal clouding-oligophrenia syndrome. Identifiers: Orphanet 2962, MedGen C0268354, MONDO:0017569.
Cutis laxa, autosomal dominant 3 (ADCL3). Identifiers: Orphanet 90348, MedGen C4225268, MONDO:0014706, OMIM 616603.
Autosomal dominant spastic paraplegia type 9. Identifiers: MedGen C1832669, MONDO:0015091.

Allele frequency attached by ClinVar (database versions not stated): gnomAD exomes below 0.00001; ExAC 0.00001; ESP Exome Variant Server 0.00008.
gnomAD v4.1: 4 of 1,614,160 alleles (0.00025%); highest among the groups gnomAD compares: African/African-American, 0.0013%; no homozygotes.

Submissions (2):

CeGaT Center for Human Genetics Tuebingen
Classification: Uncertain significance. Last evaluated: 2023-10-01. Review status: criteria provided, single submitter. Criteria: CeGaT Center For Human Genetics Tuebingen Variant Classification Criteria Version 2. Collection method: clinical testing. Allele origin: germline. Affected: yes. Observed: 1 variant allele.
Comment: ALDH18A1: PM2, PP3

Labcorp Genetics (formerly Invitae), Labcorp
Classification: Uncertain significance for Autosomal dominant spastic paraplegia type 9; de Barsy syndrome; Cutis laxa, autosomal dominant 3. Last evaluated: 2023-08-11. Review status: criteria provided, single submitter. Criteria: Invitae Variant Classification Sherloc (09022015). Collection method: clinical testing. Allele origin: germline.
Comment: In summary, the available evidence is currently insufficient to determine the role of this variant in disease. Therefore, it has been classified as a Variant of Uncertain Significance. Advanced modeling of protein sequence and biophysical properties (such as structural, functional, and spatial information, amino acid conservation, physicochemical variation, residue mobility, and thermodynamic stability) has been performed at Invitae for this missense variant, however the output from this modeling did not meet the statistical confidence thresholds required to predict the impact of this variant on ALDH18A1 protein function. This variant has not been reported in the literature in individuals affected with ALDH18A1-related conditions. This variant is present in population databases (rs143330350, gnomAD 0.007%). This sequence change replaces valine, which is neutral and non-polar, with methionine, which is neutral and non-polar, at codon 74 of the ALDH18A1 protein (p.Val74Met).